The following is an entry in ClinVar:

ClinVar aggregate classification (germline): Benign. Review status: criteria provided, multiple submitters, no conflicts (2 of 4 stars). 4 submissions from 4 submitters: Benign (4). Last evaluated 2023-11-14.

Conditions:
Combined immunodeficiency due to DOCK8 deficiency (HIES2). Also called: Hyper-IgE recurrent infection syndrome, autosomal recessive; HYPER-IgE SYNDROME 2, AUTOSOMAL RECESSIVE, WITH RECURRENT INFECTIONS; HIES autosomal recessive; HYPER-IgE RECURRENT INFECTION SYNDROME 2, AUTOSOMAL RECESSIVE; DOCK8 Deficiency. Identifiers: Orphanet 217390, MedGen C4722305, MONDO:0009478, OMIM 243700.

Allele frequency attached by ClinVar (database versions not stated): ESP Exome Variant Server 0.30663; TOPMed 0.33868; 1000 Genomes Project 0.39277; 1000 Genomes Project 30x 0.39710.
gnomAD v4.1: 496,107 of 1,612,248 alleles (31%); highest among the groups gnomAD compares: East Asian, 54%; 81,173 homozygotes.

Submissions (4):

Unidad de Genómica Garrahan, Hospital de Pediatría Garrahan
Classification: Benign. Last evaluated: 2023-11-14. Review status: criteria provided, single submitter. Criteria: ACMG Guidelines, 2015. Collection method: clinical testing. Allele origin: germline. Affected: no. Observed: 67 variant alleles.
Comment: This variant is classified as Benign based on local population frequency. This variant was detected in 70% of patients studied by a panel of primary immunodeficiencies. Number of patients: 67. Only high quality variants are reported.

Genome-Nilou Lab
Classification: Benign for Combined immunodeficiency due to DOCK8 deficiency. Last evaluated: 2021-07-14. Review status: criteria provided, single submitter. Criteria: ACMG Guidelines, 2015. Collection method: clinical testing. Allele origin: germline. Affected: no.

GeneDx
Classification: Benign. Last evaluated: 2018-06-26. Review status: criteria provided, single submitter. Criteria: GeneDx Variant Classification Process June 2021. Collection method: clinical testing. Allele origin: germline. Affected: yes.

Breakthrough Genomics
Classification: Benign. Review status: criteria provided, single submitter. Criteria: ACMG Guidelines, 2015. Collection method: not provided. Allele origin: germline. Inheritance: Autosomal recessive inheritance. Affected: yes.

NM_203447.4(DOCK8):c.5490+21C>T

Gene: DOCK8 (dedicator of cytokinesis 8; plus strand). Cytogenetic location: 9p24.3.
Variant type: single nucleotide variant.
Coding change: c.5490+21C>T on transcript NM_203447.4 (MANE Select); 21 bases into the intron after coding-DNA position 5490, C replaced by T.
Molecular consequence: intron variant.
Genome position (GRCh38, 1-based): chr9:442,030, C>T. VCF-style: chr9-442030-C-T. GRCh37 (hg19) VCF-style: chr9-442030-C-T.
Other names: c.5286+21C>T (NM_001193536.2); c.5190+21C>T (NM_001190458.2).
Identifiers: ClinVar variation 1185376 (VCV001185376.7), dbSNP rs1887958, ClinGen allele CA4959430.